The following is an entry in ClinVar:

NM_000051.4(ATM):c.4109+10T>A

Gene: ATM (ATM serine/threonine kinase; plus strand). Cytogenetic location: 11q22.3.
Variant type: single nucleotide variant.
Coding change: c.4109+10T>A on transcript NM_000051.4 (MANE Select); 10 bases into the intron after coding-DNA position 4109, T replaced by A.
Molecular consequence: intron variant.
Genome position (GRCh38, 1-based): chr11:108,287,725, T>A. VCF-style: chr11-108287725-T-A. GRCh37 (hg19) VCF-style: chr11-108158452-T-A.
Other names: c.4109+10T>A (NM_001351834.2).
Identifiers: ClinVar variation 628846 (VCV000628846.3), dbSNP rs1236628481, ClinGen allele CA913187804.

ClinVar aggregate classification (germline): Likely benign. Review status: criteria provided, multiple submitters, no conflicts (2 of 4 stars). 2 submissions from 2 submitters: Likely benign (2). Last evaluated 2024-05-16.

Conditions:
Hereditary cancer-predisposing syndrome. Also called: Neoplastic Syndromes, Hereditary; Tumor predisposition; Hereditary neoplastic syndrome; Hereditary Cancer Syndrome. Identifiers: Orphanet 140162, MedGen C0027672, MeSH D009386, MONDO:0015356.
Familial cancer of breast. Also called: BREAST CANCER, FAMILIAL; Hereditary breast cancer; hereditary breast carcinoma. Identifiers: Orphanet 227535, MedGen C0346153, MONDO:0016419, OMIM 114480. Disease mechanism: loss of function.

Submissions (2):

Myriad Genetics, Inc.
Classification: Likely benign for Familial cancer of breast. Last evaluated: 2024-05-16. Review status: criteria provided, single submitter. Criteria: Myriad Autosomal Dominant, Autosomal Recessive and X-Linked Classification Criteria (2023). Collection method: clinical testing. Allele origin: unknown.
Comment: This variant is considered likely benign. This variant is intronic and is not expected to impact mRNA splicing.

Color Diagnostics, LLC DBA Color Health
Classification: Likely benign for Hereditary cancer-predisposing syndrome. Last evaluated: 2018-07-10. Review status: criteria provided, single submitter. Criteria: ACMG Guidelines, 2015. Collection method: clinical testing. Allele origin: germline.